The following is an entry in ClinVar:

NM_004183.4(BEST1):c.682G>A (p.Asp228Asn)

Gene: BEST1 (bestrophin 1; plus strand). Cytogenetic location: 11q12.3.
Variant type: single nucleotide variant.
Coding change: c.682G>A on transcript NM_004183.4 (MANE Select); coding-DNA position 682, G replaced by A.
Protein change: p.Asp228Asn; replaces aspartic acid 228 with asparagine.
Molecular consequence: missense variant. On other transcripts: non-coding transcript variant (1).
Genome position (GRCh38, 1-based): chr11:61,957,432, G>A. VCF-style: chr11-61957432-G-A. GRCh37 (hg19) VCF-style: chr11-61724904-G-A.
Other names: NP_004174.1:p.(Asp228Asn); c.502G>A, p.Asp168Asn (NM_001139443.3, NM_001300786.2, NM_001300787.2); c.364G>A, p.Asp122Asn (NM_001363591.3); c.682G>A, p.Asp228Asn (NM_001363592.2); c.-494G>A (NM_001363593.3); short protein forms D228N, D122N, D168N.
Identifiers: ClinVar variation 2748 (VCV000002748.65), dbSNP rs267606676, ClinGen allele CA115732.

ClinVar aggregate classification (germline): Conflicting classifications of pathogenicity. Review status: criteria provided, conflicting classifications (1 of 4 stars). 10 submissions from 10 submitters: Pathogenic (3); Likely pathogenic (4); Uncertain significance (1). 2 of the submissions do not count toward it. Last evaluated 2025-10-13.

Conditions:
BEST1-related disorder. Also called: BEST1-related condition; BEST1-related disorders. Identifiers: MedGen CN239200.
Retinal dystrophy. Also called: Inherited retinal dystrophy. Identifiers: Orphanet 71862, MedGen C0854723, MeSH D058499, MONDO:0019118, HP:0000556.
Retinitis pigmentosa (RP). Identifiers: Orphanet 791, MedGen C0035334, MeSH D012174, MONDO:0019200, OMIM 268000. Inheritance: Autosomal dominant, autosomal recessive and X linked inheritance.
Retinitis pigmentosa 50 (RP50). Also called: Retinitis pigmentosa, concentric. Identifiers: Orphanet 791, MedGen C2750789, MONDO:0013175, OMIM 613194.
Retinal disorder. Also called: Retinopathies; Retinal Diseases; Retinal disorders; Retinopathy. Identifiers: MedGen C0035309, MONDO:0005283, HP:0000488.

Allele frequency attached by ClinVar (database versions not stated): gnomAD exomes below 0.00001 and 0.00001; ExAC 0.00001; gnomAD 0.00001; TOPMed 0.00001.

Submissions (10):

Labcorp Genetics (formerly Invitae), Labcorp
Classification: Pathogenic. Last evaluated: 2025-10-13. Review status: criteria provided, single submitter. Criteria: Invitae Variant Classification Sherloc (09022015). Collection method: clinical testing. Allele origin: germline.
Comment: This sequence change replaces aspartic acid, which is acidic and polar, with asparagine, which is neutral and polar, at codon 228 of the BEST1 protein (p.Asp228Asn). This variant is present in population databases (rs267606676, gnomAD 0.006%). This missense change has been observed in individual(s) with autosomal dominant retinal disease and/or vitreoretinochoroidopathy (PMID: 19853238, 29847639, 30718709; internal data). It has also been observed to segregate with disease in related individuals. ClinVar contains an entry for this variant (Variation ID: 2748). Invitae Evidence Modeling of protein sequence and biophysical properties (such as structural, functional, and spatial information, amino acid conservation, physicochemical variation, residue mobility, and thermodynamic stability) indicates that this missense variant is expected to disrupt BEST1 protein function with a positive predictive value of 95%. Experimental studies are conflicting or provide insufficient evidence to determine the effect of this variant on BEST1 function (PMID: 19853238, 24560797). This variant disrupts the p.Asp228 amino acid residue in BEST1. Other variant(s) that disrupt this residue have been observed in individuals with BEST1-related conditions (PMID: 19853238, 28559085; internal data), which suggests that this may be a clinically significant amino acid residue. For these reasons, this variant has been classified as Pathogenic.

North West Genomic Laboratory Hub, Manchester University NHS Foundation Trust
Classification: Likely pathogenic for Retinal disorders. Last evaluated: 2025-07-21. Review status: criteria provided, single submitter. Criteria: ACGS Best Practice Guidelines for Variant Classification in Rare Disease 2024. Collection method: clinical testing. Allele origin: germline. Affected: yes.
Comment: PM5_Mod PP3_Supp PP1_Str PS4_Mod

Dasa
Classification: Likely pathogenic. Last evaluated: 2025-01-27. Review status: criteria provided, single submitter. Criteria: DASA Assertion Criteria. Collection method: clinical testing. Allele origin: germline.
Comment: NM_004183.4(BEST1):c.682G>A (p.Asp228Asn) is a missense variant that results in the substitution of aspartic acid with asparagine. The affected residue or protein region has prior evidence supporting clinical relevance. This variant has been reported in individuals with BEST1-related disorders (PMID: 19853238). Functional evidence supports an impact on the gene or gene product. Also, this variant is rare in population databases. Computational evidence supports a deleterious effect. Based on the currently available evidence, this variant is classified as likely pathogenic.

3billion
Classification: Likely pathogenic for Retinitis pigmentosa 50. Last evaluated: 2023-09-15. Review status: criteria provided, single submitter. Criteria: ACMG Guidelines, 2015. Collection method: clinical testing. Allele origin: germline. Affected: yes.
Comment: The variant is observed at an extremely low frequency in the gnomAD v2.1.1 dataset (total allele frequency: 0.000%). Predicted Consequence/Location: The variant is located in a mutational hot spot and/or well-established functional domain in which established pathogenic variants have been reported. Missense changes are a common disease-causing mechanism. In silico tool predictions suggest damaging effect of the variant on gene or gene product [REVEL: 0.93 (>=0.6, sensitivity 0.68 and specificity 0.92); 3Cnet: 0.91 (>=0.6, sensitivity 0.72 and precision 0.9)]. Same nucleotide change resulting in same amino acid change has been previously reported to be associated with BEST1 related disorder (ClinVar ID: VCV000002748 /PMID: 19853238). However, the evidence of pathogenicity is insufficient at this time. Different missense changes at the same codon (p.Asp228Glu, p.Asp228His, p.Asp228Tyr) have been reported as pathogenic/likely pathogenic with strong evidence (ClinVar ID: VCV000522450, VCV000852739, VCV001705627 /PMID: 25999674, 29555955, 29844330 /3billion dataset). Therefore, this variant is classified as Likely pathogenic according to the recommendation of ACMG/AMP guideline.

Ophthalmic Genetics Group, Institute of Molecular and Clinical Ophthalmology Basel
Classification: Pathogenic for Retinal dystrophy. Last evaluated: 2023-07-24. Review status: criteria provided, single submitter. Criteria: ACMG Guidelines, 2015. Collection method: research. Allele origin: germline. Affected: yes. Observed: 1 variant allele.
Comment: Clinical significance based on ACMG v2.0

This variant was classified as Pathogenic based on ACMG criteria: PM1, PP2, PM2, PM5, PP3, PP5.

Blueprint Genetics
Classification: Pathogenic for BEST1-related disorders. Last evaluated: 2022-09-09. Review status: criteria provided, single submitter. Criteria: ACMG Guidelines, 2015. Collection method: clinical testing. Allele origin: germline. Affected: yes. Observed: 5 variant alleles.

GeneDx
Classification: Likely pathogenic. Last evaluated: 2022-07-06. Review status: criteria provided, single submitter. Criteria: GeneDx Variant Classification Process June 2021. Collection method: clinical testing. Allele origin: germline. Affected: yes.
Comment: Not observed at a significant frequency in large population cohorts (gnomAD); In silico analysis supports that this missense variant has a deleterious effect on protein structure/function; This variant is associated with the following publications: (PMID: 19853238, 24560797, 29847639, 30718709, 31589614)

CeGaT Center for Human Genetics Tuebingen
Classification: Uncertain significance. Last evaluated: 2019-03-01. Review status: criteria provided, single submitter. Criteria: CeGaT Center For Human Genetics Tuebingen Variant Classification Criteria Version 2. Collection method: clinical testing. Allele origin: germline. Affected: yes. Observed: 2 variant alleles.

Department of Clinical Genetics, Copenhagen University Hospital, Rigshospitalet
Classification: Pathogenic for Retinitis pigmentosa. Last evaluated: 2018-04-01. Review status: no assertion criteria provided. Collection method: research. Allele origin: unknown. Affected: yes. Study: VeluxRD. Not counted in ClinVar's aggregate classification.

OMIM
Classification: Pathogenic for RETINITIS PIGMENTOSA 50. Last evaluated: 2009-11-01. Review status: no assertion criteria provided. Collection method: literature only. Allele origin: germline. Not counted in ClinVar's aggregate classification.

Literature cited by the submitters: PubMed 19853238 (cited by 4 submitters); PubMed 29847639 (cited by Labcorp Genetics (formerly Invitae), Labcorp); PubMed 30718709 (cited by Labcorp Genetics (formerly Invitae), Labcorp and Department of Clinical Genetics, Copenhagen University Hospital, Rigshospitalet); PubMed 24560797 (cited by Labcorp Genetics (formerly Invitae), Labcorp); PubMed 28559085 (cited by Labcorp Genetics (formerly Invitae), Labcorp); PubMed 25999674 (cited by 3billion); PubMed 36909829 (cited by Ophthalmic Genetics Group, Institute of Molecular and Clinical Ophthalmology Basel); PubMed 11825021 (cited by OMIM).